The following is an entry in ClinVar:

NM_001103.4(ACTN2):c.2594G>C (p.Arg865Thr)

Gene: ACTN2 (actinin alpha 2; plus strand). Cytogenetic location: 1q43.
Variant type: single nucleotide variant.
Coding change: c.2594G>C on transcript NM_001103.4 (MANE Select); coding-DNA position 2594, G replaced by C.
Protein change: p.Arg865Thr; replaces arginine 865 with threonine.
Molecular consequence: missense variant.
Genome position (GRCh38, 1-based): chr1:236,762,528, G>C. VCF-style: chr1-236762528-G-C. GRCh37 (hg19) VCF-style: chr1-236925828-G-C.
Other names: c.2594G>C, p.Arg865Thr (NM_001278343.2); c.1970G>C, p.Arg657Thr (NM_001278344.2); c.2594G>C (NM_001103.2); short protein forms R865T, R657T.
Identifiers: ClinVar variation 951149 (VCV000951149.12), dbSNP rs752937110, ClinGen allele CA1473499.

ClinVar aggregate classification (germline): Conflicting classifications of pathogenicity. Review status: criteria provided, conflicting classifications (1 of 4 stars). 3 submissions from 3 submitters: Uncertain significance (2); Likely benign (1). Last evaluated 2026-04-08.

Conditions:
Cardiovascular phenotype. Identifiers: MedGen CN230736.
Primary familial hypertrophic cardiomyopathy (HCM). Identifiers: Orphanet 99739, MedGen C0949658, MeSH D024741, MONDO:0024573. Inheritance: Various modes of inheritance.
Dilated cardiomyopathy 1AA (CMD1AA). Also called: Cardiomyopathy, dilated, 1AA, with or without LVNC; CARDIOMYOPATHY, FAMILIAL HYPERTROPHIC, 23, WITH OR WITHOUT LEFT VENTRICULAR NONCOMPACTION; CARDIOMYOPATHY, DILATED, 1AA, WITH OR WITHOUT LEFT VENTRICULAR NONCOMPACTION. Identifiers: Orphanet 154, MedGen C2677338, MONDO:0012808, OMIM 612158.

Allele frequency attached by ClinVar (database versions not stated): gnomAD exomes 0.00001; TOPMed below 0.00001; ExAC 0.00001.
gnomAD v4.1: 14 of 1,614,108 alleles (0.00087%); highest among the groups gnomAD compares: Non-Finnish European, 0.0011%; no homozygotes.

Submissions (3):

Ambry Genetics
Classification: Uncertain significance for Cardiovascular phenotype. Last evaluated: 2026-04-08. Review status: criteria provided, single submitter. Criteria: Ambry Variant Classification Scheme 2023. Collection method: clinical testing. Allele origin: germline.
Comment: The p.R865T variant (also known as c.2594G>C), located in coding exon 21 of the ACTN2 gene, results from a G to C substitution at nucleotide position 2594. The arginine at codon 865 is replaced by threonine, an amino acid with similar properties. This variant was reported in an individual with restrictive cardiomyopathy who also harbored MYBPC3 c.1790+1G>C (Szczygie JA et al. Kardiol Pol, 2023 Nov;81:1227-1236). This amino acid position is highly conserved in available vertebrate species. In addition, the in silico prediction for this alteration is inconclusive. Based on the available evidence, the clinical significance of this variant remains unclear.

Labcorp Genetics (formerly Invitae), Labcorp
Classification: Likely benign for Primary familial hypertrophic cardiomyopathy; Dilated cardiomyopathy 1AA. Last evaluated: 2025-06-13. Review status: criteria provided, single submitter. Criteria: Invitae Variant Classification Sherloc (09022015). Collection method: clinical testing. Allele origin: germline.

GeneDx
Classification: Uncertain significance. Last evaluated: 2023-02-16. Review status: criteria provided, single submitter. Criteria: GeneDx Variant Classification Process June 2021. Collection method: clinical testing. Allele origin: germline. Affected: yes.
Comment: Not observed at significant frequency in large population cohorts (gnomAD); In silico analysis supports that this missense variant has a deleterious effect on protein structure/function; Has not been previously published as pathogenic or benign to our knowledge

Literature cited by the submitters: PubMed 37937352 (cited by Ambry Genetics).